The following is an entry in ClinVar:

NM_021942.6(TRAPPC11):c.24C>A (p.Phe8Leu)

Gene: TRAPPC11 (trafficking protein particle complex subunit 11; plus strand). Cytogenetic location: 4q35.1.
Variant type: single nucleotide variant.
Coding change: c.24C>A on transcript NM_021942.6 (MANE Select); coding-DNA position 24, C replaced by A.
Protein change: p.Phe8Leu; replaces phenylalanine 8 with leucine.
Molecular consequence: missense variant.
Genome position (GRCh38, 1-based): chr4:183,663,891, C>A. VCF-style: chr4-183663891-C-A. GRCh37 (hg19) VCF-style: chr4-184585044-C-A.
Other names: c.24C>A, p.Phe8Leu (NM_199053.3); c.24C>A (NM_021942.4); short protein forms F8L.
Identifiers: ClinVar variation 2958873 (VCV002958873.2), dbSNP rs1734697591, ClinGen allele CA358858284.

ClinVar aggregate classification (germline): Conflicting classifications of pathogenicity. Review status: criteria provided, conflicting classifications (1 of 4 stars). 2 submissions from 2 submitters: Uncertain significance (1); Likely benign (1). Last evaluated 2024-11-10.

Conditions:
Inborn genetic diseases. Identifiers: MedGen C0950123, MeSH D030342.
Autosomal recessive limb-girdle muscular dystrophy type R18 (LGMDR18). Also called: Limb-girdle muscular dystrophy, type 2S; MUSCULAR DYSTROPHY, LIMB-GIRDLE, AUTOSOMAL RECESSIVE 18; Autosomal recessive limb-girdle muscular dystrophy type 2S. Identifiers: Orphanet 369840, MedGen C4517996, MONDO:0014144, OMIM 615356.

gnomAD v4.1: 10 of 1,614,058 alleles (0.00062%); highest among the groups gnomAD compares: Non-Finnish European, 0.00085%; no homozygotes.

Submissions (2):

Ambry Genetics
Classification: Likely benign for Inborn genetic diseases. Last evaluated: 2024-11-10. Review status: criteria provided, single submitter. Criteria: Ambry Variant Classification Scheme 2023. Collection method: clinical testing. Allele origin: germline.

Labcorp Genetics (formerly Invitae), Labcorp
Classification: Uncertain significance for Autosomal recessive limb-girdle muscular dystrophy type R18. Last evaluated: 2023-10-05. Review status: criteria provided, single submitter. Criteria: Invitae Variant Classification Sherloc (09022015). Collection method: clinical testing. Allele origin: germline.
Comment: This sequence change replaces phenylalanine, which is neutral and non-polar, with leucine, which is neutral and non-polar, at codon 8 of the TRAPPC11 protein (p.Phe8Leu). This variant is not present in population databases (gnomAD no frequency). This variant has not been reported in the literature in individuals affected with TRAPPC11-related conditions. Advanced modeling of protein sequence and biophysical properties (such as structural, functional, and spatial information, amino acid conservation, physicochemical variation, residue mobility, and thermodynamic stability) performed at Invitae indicates that this missense variant is not expected to disrupt TRAPPC11 protein function. In summary, the available evidence is currently insufficient to determine the role of this variant in disease. Therefore, it has been classified as a Variant of Uncertain Significance.